The following is an entry in ClinVar:

NM_000245.4(MET):c.998T>C (p.Ile333Thr)

Gene: MET (MET proto-oncogene, receptor tyrosine kinase; plus strand). Cytogenetic location: 7q31.2.
Variant type: single nucleotide variant.
Coding change: c.998T>C on transcript NM_000245.4 (MANE Select); coding-DNA position 998, T replaced by C.
Protein change: p.Ile333Thr; replaces isoleucine 333 with threonine.
Molecular consequence: missense variant. On other transcripts: intron variant (1).
Genome position (GRCh38, 1-based): chr7:116,700,082, T>C. VCF-style: chr7-116700082-T-C. GRCh37 (hg19) VCF-style: chr7-116340136-T-C.
Other names: c.998T>C, p.Ile333Thr (NM_001127500.3, NM_001324401.3); c.-91+27505T>C (NM_001324402.2); short protein forms I333T.
Identifiers: ClinVar variation 1480179 (VCV001480179.6), dbSNP rs1584878120, ClinGen allele CA368970319.

ClinVar aggregate classification (germline): Uncertain significance (1 of 4 stars; one submission).

Conditions:
Renal cell carcinoma. Identifiers: Orphanet 217071, MedGen C0007134, MeSH D002292, MONDO:0005086, HP:0005584.

Submission:

Labcorp Genetics (formerly Invitae), Labcorp
Classification: Uncertain significance for Renal cell carcinoma. Last evaluated: 2021-08-03. Review status: criteria provided, single submitter. Criteria: Invitae Variant Classification Sherloc (09022015). Collection method: clinical testing. Allele origin: germline.
Comment: This sequence change replaces isoleucine with threonine at codon 333 of the MET protein (p.Ile333Thr). The isoleucine residue is weakly conserved and there is a moderate physicochemical difference between isoleucine and threonine. This variant is not present in population databases (ExAC no frequency). This variant has not been reported in the literature in individuals affected with MET-related conditions. Algorithms developed to predict the effect of missense changes on protein structure and function are either unavailable or do not agree on the potential impact of this missense change (SIFT: "Deleterious"; PolyPhen-2: "Probably Damaging"; Align-GVGD: "Class C0"). In summary, the available evidence is currently insufficient to determine the role of this variant in disease. Therefore, it has been classified as a Variant of Uncertain Significance.